The following is an entry in ClinVar:

NM_000124.4(ERCC6):c.124GAG[1] (p.Glu43del)

Gene: ERCC6 (ERCC excision repair 6, chromatin remodeling factor; minus strand). Cytogenetic location: 10q11.23.
Variant type: Microsatellite.
Coding change: c.124GAG[1] on transcript NM_000124.4 (MANE Select); one copy of the 3-base unit GAG starting at c.124; the reference has two copies in a row; one copy, 3 bases deleted.
Protein change: p.Glu43del; deletes glutamic acid 43.
Molecular consequence: inframe deletion.
Genome position (GRCh38, 1-based): chr10:49,532,836-49,532,838, CTC deleted on the plus strand (GAG on the coding strand, the reverse complement: ERCC6 is on the minus strand); deleting any 3 consecutive bases within chr10:49,532,836-49,532,842 gives the same sequence; the position shown is the placement nearest the transcript's 3' end. VCF-style (leftmost placement, unchanged base first): chr10-49532835-ACTC-A. GRCh37 (hg19) VCF-style: chr10-50740881-ACTC-A.
Other names: c.124GAG[1], p.Glu43del (NM_001277058.2, NM_001277059.2, NM_001346440.2); short protein forms E43del.
Identifiers: ClinVar variation 556344 (VCV000556344.6), dbSNP rs751610688, ClinGen allele CA5496618.

ClinVar aggregate classification (germline): Uncertain significance. Review status: criteria provided, single submitter (1 of 4 stars). 2 submissions from 2 submitters: Uncertain significance (1). 1 of the submissions does not count toward it. Last evaluated 2026-01-27.

Conditions:
DE SANCTIS-CACCHIONE SYNDROME. Identifiers: MedGen C0265201, MONDO:0010217, OMIM 278800.
Cockayne syndrome type 2 (CSB). Also called: Cockayne Syndrome, Type II; COCKAYNE SYNDROME B. Identifiers: Orphanet 191, Orphanet 90322, MedGen C0751038, MONDO:0019570, OMIM 133540.
Cerebrooculofacioskeletal syndrome 1 (COFS1). Also called: Cerebro-oculo-facio-skeletal syndrome 1. Identifiers: MedGen C0220722, MONDO:0008955, OMIM 214150.

Submissions (2):

Labcorp Genetics (formerly Invitae), Labcorp
Classification: Uncertain significance. Last evaluated: 2026-01-27. Review status: criteria provided, single submitter. Criteria: Invitae Variant Classification Sherloc (09022015). Collection method: clinical testing. Allele origin: germline.
Comment: This variant, c.127_129del, results in the deletion of 1 amino acid(s) of the ERCC6 protein (p.Glu43del), but otherwise preserves the integrity of the reading frame. This variant is present in population databases (rs751610688, gnomAD 0.003%). This variant has not been reported in the literature in individuals affected with ERCC6-related conditions. Experimental studies and prediction algorithms are not available or were not evaluated, and the functional significance of this variant is currently unknown. In summary, the available evidence is currently insufficient to determine the role of this variant in disease. Therefore, it has been classified as a Variant of Uncertain Significance.

Counsyl
Classification: Uncertain significance for Cockayne syndrome type 2; Cerebrooculofacioskeletal syndrome 1; DE SANCTIS-CACCHIONE SYNDROME. Last evaluated: 2018-01-24. Review status: no assertion criteria provided. Collection method: clinical testing. Allele origin: unknown. Not counted in ClinVar's aggregate classification.